The following is an entry in ClinVar:

NM_020461.4(TUBGCP6):c.1354C>T (p.Pro452Ser)

Gene: TUBGCP6 (tubulin gamma complex component 6; minus strand). Cytogenetic location: 22q13.33.
Variant type: single nucleotide variant.
Coding change: c.1354C>T on transcript NM_020461.4 (MANE Select); coding-DNA position 1354, C replaced by T.
Protein change: p.Pro452Ser; replaces proline 452 with serine.
Molecular consequence: missense variant.
Genome position (GRCh38, 1-based): chr22:50,227,965, G>A on the plus strand (C>T on the coding strand, the complement: TUBGCP6 is on the minus strand). VCF-style: chr22-50227965-G-A. GRCh37 (hg19) VCF-style: chr22-50666394-G-A.
Other names: short protein forms P452S.
Identifiers: ClinVar variation 1486992 (VCV001486992.13), dbSNP rs747392509, ClinGen allele CA10308730.
Genomic context (GRCh38, chr22:50,227,965, plus strand): 5'-ACCTGAGCTGCCGGCCAAGTTTCTTGAAGAGAAAACCAATGGTGAGGAGGCTCAGGGTGG[G>A]CGGAGTGGAAAGGACGCAGGCCCGGTAATACTGCAGGTACCTCCTCAGGCCACTGGTGAA-3'
Protein context (NP_065194.3, residues 442-462): YYRACVLSTP[Pro452Ser]TLSLLTIGFL

ClinVar aggregate classification (germline): Uncertain significance. Review status: criteria provided, multiple submitters, no conflicts (2 of 4 stars). 2 submissions from 2 submitters: Uncertain significance (2). Last evaluated 2025-11-01.

Allele frequency attached by ClinVar (database versions not stated): TOPMed 0.00001; gnomAD exomes 0.00002 and 0.00004; ExAC 0.00004.

Submissions (2):

CeGaT Center for Human Genetics Tuebingen
Classification: Uncertain significance. Last evaluated: 2025-11-01. Review status: criteria provided, single submitter. Criteria: CeGaT Center For Human Genetics Tuebingen Variant Classification Criteria Version 2. Collection method: clinical testing. Allele origin: germline. Affected: yes. Observed: 1 variant allele.
Comment: TUBGCP6: PM2

Labcorp Genetics (formerly Invitae), Labcorp
Classification: Uncertain significance. Last evaluated: 2022-02-10. Review status: criteria provided, single submitter. Criteria: Invitae Variant Classification Sherloc (09022015). Collection method: clinical testing. Allele origin: germline.
Comment: In summary, the available evidence is currently insufficient to determine the role of this variant in disease. Therefore, it has been classified as a Variant of Uncertain Significance. Algorithms developed to predict the effect of missense changes on protein structure and function are either unavailable or do not agree on the potential impact of this missense change (SIFT: "Tolerated"; PolyPhen-2: "Possibly Damaging"; Align-GVGD: "Class C0"). This variant has not been reported in the literature in individuals affected with TUBGCP6-related conditions. This variant is present in population databases (rs747392509, gnomAD 0.03%). This sequence change replaces proline, which is neutral and non-polar, with serine, which is neutral and polar, at codon 452 of the TUBGCP6 protein (p.Pro452Ser).